The following is an entry in ClinVar:

ClinVar aggregate classification (germline): Uncertain significance (1 of 4 stars; one submission).

Conditions:
Gorlin syndrome. Also called: Basal cell nevus syndrome; Nevoid Basal Cell Carcinoma Syndrome. Identifiers: Orphanet 377, MedGen C0004779, MONDO:0007187.
Medulloblastoma (MDB). Also called: MEDULLOBLASTOMA PREDISPOSITION SYNDROME; Medulloblastoma, somatic. Identifiers: Orphanet 616, MedGen C0025149, MeSH D008527, MONDO:0007959, OMIM 155255, HP:0002885.

Submission:

Labcorp Genetics (formerly Invitae), Labcorp
Classification: Uncertain significance for Gorlin syndrome; Medulloblastoma. Last evaluated: 2025-01-13. Review status: criteria provided, single submitter. Criteria: Invitae Variant Classification Sherloc (09022015). Collection method: clinical testing. Allele origin: germline.
Comment: This sequence change replaces aspartic acid, which is acidic and polar, with asparagine, which is neutral and polar, at codon 168 of the SUFU protein (p.Asp168Asn). This variant is not present in population databases (gnomAD no frequency). This variant has not been reported in the literature in individuals affected with SUFU-related conditions. Invitae Evidence Modeling of protein sequence and biophysical properties (such as structural, functional, and spatial information, amino acid conservation, physicochemical variation, residue mobility, and thermodynamic stability) indicates that this missense variant is not expected to disrupt SUFU protein function with a negative predictive value of 80%. In summary, the available evidence is currently insufficient to determine the role of this variant in disease. Therefore, it has been classified as a Variant of Uncertain Significance.

NM_016169.4(SUFU):c.502G>A (p.Asp168Asn)

Gene: SUFU (SUFU negative regulator of hedgehog signaling; plus strand). Cytogenetic location: 10q24.32.
Variant type: single nucleotide variant.
Coding change: c.502G>A on transcript NM_016169.4 (MANE Select); coding-DNA position 502, G replaced by A.
Protein change: p.Asp168Asn; replaces aspartic acid 168 with asparagine.
Molecular consequence: missense variant.
Genome position (GRCh38, 1-based): chr10:102,592,629, G>A. VCF-style: chr10-102592629-G-A. GRCh37 (hg19) VCF-style: chr10-104352386-G-A.
Other names: c.502G>A, p.Asp168Asn (NM_001178133.2); short protein forms D168N.
Identifiers: ClinVar variation 3758786 (VCV003758786.2).